The following is an entry in ClinVar:

NM_006648.4(WNK2):c.1849G>A (p.Asp617Asn)

Gene: WNK2 (WNK lysine deficient protein kinase 2; plus strand). Cytogenetic location: 9q22.31.
Variant type: single nucleotide variant.
Coding change: c.1849G>A on transcript NM_006648.4 (MANE Select); coding-DNA position 1849, G replaced by A.
Protein change: p.Asp617Asn; replaces aspartic acid 617 with asparagine.
Molecular consequence: missense variant.
Genome position (GRCh38, 1-based): chr9:93,252,897, G>A. VCF-style: chr9-93252897-G-A. GRCh37 (hg19) VCF-style: chr9-96015179-G-A.
Other names: c.1849G>A, p.Asp617Asn (NM_001282394.3); short protein forms D617N.
Identifiers: ClinVar variation 3816496 (VCV003816496.1).

ClinVar aggregate classification (germline): Uncertain significance (1 of 4 stars; one submission).

gnomAD v4.1: 3 of 1,500,984 alleles (0.0002%); highest among the groups gnomAD compares: Admixed American, 0.0023%; no homozygotes.

Submission:

Ambry Genetics
Classification: Uncertain significance. Last evaluated: 2024-12-15. Review status: criteria provided, single submitter. Criteria: Ambry Variant Classification Scheme 2023. Collection method: clinical testing. Allele origin: germline.
Comment: The p.D617N variant (also known as c.1849G>A), located in coding exon 8 of the WNK2 gene, results from a G to A substitution at nucleotide position 1849. The aspartic acid at codon 617 is replaced by asparagine, an amino acid with highly similar properties. This amino acid position is conserved. In addition, this alteration is predicted to be tolerated by in silico analysis. Based on the available evidence, the clinical significance of this variant remains unclear.